The following is an entry in ClinVar:

ClinVar aggregate classification (germline): Likely benign. Review status: criteria provided, multiple submitters, no conflicts (2 of 4 stars). 3 submissions from 3 submitters: Likely benign (2). 1 of the submissions does not count toward it. Last evaluated 2025-10-07.

Conditions:
Episodic ataxia type 1 (EA1). Also called: ATAXIA, EPISODIC, WITH MYOKYMIA; PAROXYSMAL ATAXIA WITH NEUROMYOTONIA, HEREDITARY; MYOKYMIA WITH PERIODIC ATAXIA; Episodic ataxia/myokymia syndrome. Identifiers: Orphanet 37612, Orphanet 972, MedGen C1719788, MONDO:0008047, OMIM 160120.
KCNA1-related disorder. Also called: KCNA1-related disorders; KCNA1-related condition.

Submissions (3):

Labcorp Genetics (formerly Invitae), Labcorp
Classification: Likely benign for Episodic ataxia type 1. Last evaluated: 2025-10-07. Review status: criteria provided, single submitter. Criteria: Invitae Variant Classification Sherloc (09022015). Collection method: clinical testing. Allele origin: germline.

Women's Health and Genetics/Laboratory Corporation of America, LabCorp
Classification: Likely benign. Last evaluated: 2025-03-11. Review status: criteria provided, single submitter. Criteria: LabCorp Variant Classification Summary - May 2015. Collection method: clinical testing. Allele origin: germline.

PreventionGenetics, part of Exact Sciences
Classification: Likely benign for KCNA1-related condition. Last evaluated: 2019-02-27. Review status: no assertion criteria provided. Collection method: clinical testing. Allele origin: germline. Not counted in ClinVar's aggregate classification.
Comment: This variant is classified as likely benign based on ACMG/AMP sequence variant interpretation guidelines (Richards et al. 2015 PMID: 25741868, with internal and published modifications).

NM_000217.3(KCNA1):c.495C>T (p.Pro165=)

Gene: KCNA1 (potassium voltage-gated channel subfamily A member 1; plus strand). Cytogenetic location: 12p13.32.
Variant type: single nucleotide variant.
Coding change: c.495C>T on transcript NM_000217.3 (MANE Select); coding-DNA position 495, C replaced by T.
Protein change: p.Pro165=; no amino-acid change (proline 165 retained).
Molecular consequence: synonymous variant.
Genome position (GRCh38, 1-based): chr12:4,911,873, C>T. VCF-style: chr12-4911873-C-T. GRCh37 (hg19) VCF-style: chr12-5021039-C-T.
Other names: c.495C>T (NM_000217.2).
Identifiers: ClinVar variation 1454759 (VCV001454759.11), dbSNP rs2137673220, ClinGen allele CA478094197.